The following is an entry in ClinVar:

NM_001197104.2(KMT2A):c.7071del (p.Ser2358fs)

Gene: KMT2A (lysine methyltransferase 2A; plus strand). Cytogenetic location: 11q23.3.
Variant type: Deletion.
Coding change: c.7071del on transcript NM_001197104.2 (MANE Select); coding-DNA position 7071, one base deleted (C; older notation c.7071delC).
Protein change: p.Ser2358fs; shifts the reading frame from serine 2358.
Molecular consequence: frameshift variant.
Genome position (GRCh38, 1-based): chr11:118,502,963, C deleted; the last of 3 consecutive C bases (chr11:118,502,961-118,502,963); deleting any one gives the same sequence. VCF-style (leftmost placement, unchanged base first): chr11-118502960-AC-A. GRCh37 (hg19) VCF-style: chr11-118373675-AC-A.
Other names: c.7062del, p.Ser2355fs (NM_005933.4); short protein forms S2355fs, S2358fs.
Identifiers: ClinVar variation 817905 (VCV000817905.2), dbSNP rs1591281225, ClinGen allele CA477359576.

ClinVar aggregate classification (germline): Pathogenic. Review status: criteria provided, multiple submitters, no conflicts (2 of 4 stars). 2 submissions from 2 submitters: Pathogenic (2). Last evaluated 2018-12-06.

Submissions (2):

GeneDx
Classification: Pathogenic. Last evaluated: 2018-12-06. Review status: criteria provided, single submitter. Criteria: GeneDx Variant Classification (06012015). Collection method: clinical testing. Allele origin: germline. Affected: yes.
Comment: The c.7071delC variant in the KMT2A gene has not been reported previously as a pathogenic variant nor as a benign variant, to our knowledge. The c.7071delC variant causes a frameshift starting with codon Serine 2358, changes this amino acid to a Leucine residue, and creates a premature Stop codon at position 18 of the new reading frame, denoted p.Ser2358LeufsX18. This variant is predicted to cause loss of normal protein function either through protein truncation or nonsense-mediated mRNA decay. The c.7071delC variant is not observed in large population cohorts (Lek et al., 2016). We interpret c.7071delC as a pathogenic variant.

Clinical Genetics and Genomics, Karolinska University Hospital
Classification: Pathogenic. Last evaluated: 2017-06-12. Review status: criteria provided, single submitter. Criteria: ACMG Guidelines, 2015. Collection method: clinical testing. Allele origin: germline. Affected: yes. Observed: 1 variant allele.